The following is an entry in ClinVar:

ClinVar aggregate classification (germline): Uncertain significance. Review status: criteria provided, multiple submitters, no conflicts (2 of 4 stars). 3 submissions from 3 submitters: Uncertain significance (3). Last evaluated 2024-02-07.

Submissions (3):

GeneDx
Classification: Uncertain significance. Last evaluated: 2024-02-07. Review status: criteria provided, single submitter. Criteria: GeneDx Variant Classification Process June 2021. Collection method: clinical testing. Allele origin: germline. Affected: yes.
Comment: Observed heterozygous with no other variants in a patient with a clinical diagnosis of Usher syndrome in published literature (PMID: 27460420); Nonsense variant predicted to result in protein truncation as the last 98 amino acids are lost, although pathogenic loss-of-function variants have not been reported downstream of this position in the protein; Not observed at significant frequency in large population cohorts (gnomAD); This variant is associated with the following publications: (PMID: 34426522, 27460420)

Blueprint Genetics
Classification: Uncertain significance. Last evaluated: 2023-08-10. Review status: criteria provided, single submitter. Criteria: ACMG Guidelines, 2015. Collection method: clinical testing. Allele origin: germline.

Labcorp Genetics (formerly Invitae), Labcorp
Classification: Uncertain significance. Last evaluated: 2022-06-17. Review status: criteria provided, single submitter. Criteria: Invitae Variant Classification Sherloc (09022015). Collection method: clinical testing. Allele origin: germline.
Comment: This sequence change creates a premature translational stop signal (p.Arg936*) in the PDZD7 gene. While this is not anticipated to result in nonsense mediated decay, it is expected to disrupt the last 98 amino acid(s) of the PDZD7 protein. This variant is present in population databases (rs746485256, gnomAD 0.003%). This premature translational stop signal has been observed in individual(s) with PDZD7-related conditions (PMID: 27460420). ClinVar contains an entry for this variant (Variation ID: 1303713). Experimental studies and prediction algorithms are not available or were not evaluated, and the functional significance of this variant is currently unknown. In summary, the available evidence is currently insufficient to determine the role of this variant in disease. Therefore, it has been classified as a Variant of Uncertain Significance.

Literature cited by the submitters: PubMed 27460420 (cited by Labcorp Genetics (formerly Invitae), Labcorp).

NM_001195263.2(PDZD7):c.2806C>T (p.Arg936Ter)

Gene: PDZD7 (PDZ domain containing 7; minus strand). Cytogenetic location: 10q24.31.
Variant type: single nucleotide variant.
Coding change: c.2806C>T on transcript NM_001195263.2 (MANE Select); coding-DNA position 2806, C replaced by T.
Protein change: p.Arg936Ter; replaces arginine 936 with a stop codon.
Molecular consequence: nonsense.
Genome position (GRCh38, 1-based): chr10:101,008,763, G>A on the plus strand (C>T on the coding strand, the complement: PDZD7 is on the minus strand). VCF-style: chr10-101008763-G-A. GRCh37 (hg19) VCF-style: chr10-102768520-G-A.
Other names: short protein forms R936*.
Identifiers: ClinVar variation 1303713 (VCV001303713.5), dbSNP rs746485256, ClinGen allele CA212977355.